The following is an entry in ClinVar:

ClinVar aggregate classification (germline): Pathogenic (3 of 4 stars; one submission).

Conditions:
Monogenic diabetes. Identifiers: Orphanet 183625, MedGen C3888631, MONDO:0015967.

Submission:

ClinGen Monogenic Diabetes Variant Curation Expert Panel
Classification: Pathogenic for Monogenic diabetes. Last evaluated: 2024-12-09. Review status: reviewed by expert panel. Criteria: ClinGen Diabetes ACMG Specifications HNF4A V2.0.0. Collection method: curation. Allele origin: germline. Inheritance: Autosomal dominant inheritance.
Comment: The c.914dup variant in the HNF4A gene causes a frameshift in the protein at codon 306 (NM_175914.4), adding 2 novel amino acids before encountering a stop codon (p.(Tyr306ValfsTer2)). This variant, located in biologically-relevant exon 8 of 10, is predicted to lead to nonsense mediated decay in a gene in which loss-of-function is an established disease mechanism (PVS1; PMID: 23348805). This variant is absent from gnomAD v2.1.1 (PM2_Supporting). This variant was identified in two unrelated individuals with non-autoimmune and non-absolute/near-absolute insulin-deficient diabetes; however, PS4_Moderate cannot be applied because this number is below the ClinGen MDEP threshold (PMIDs: 20164212, internal lab contributors). In one of these individuals the variant was identified as a de novo occurence with confirmed parental relationships, and the individual had a clinical history highly specific for HNF4A-monogenic diabetes (neonatal hypoglycemia responsive to diazoxide, negative genetic testing for HNF1A, ABCC8, and KCNJ11, MPC>50%) (PS2, internal lab contributors). The second individual also had a history highly specific for HNF4A-monogenic diabetes (neonatal hypoglycemia responsive to diazoxide, large for gestational age, MPC result >50%, negative genetic testing for ABCC8, HNF1A, and KCNJ11) (PP4_Moderate; PMID: 20164212, internal lab contributors). In this family the variant segregated with diabetes with two informative meioses; however, this does not meet the thresholds for PP1 set by the ClinGen MDEP (PMIDs: 27236918, 20164212, internal lab contributors). Taken together, this collective evidence supports the classification of this variant as pathogenic for HNF4A-MODY. ACMG/AMP criteria applied, as specified by the ClinGen MDEP VCEP (specification version 2.0.0, approved 10/11/2023): PVS1, PS2, PP4_Moderate PM2_Supporting.

NM_175914.5(HNF4A):c.914dup (p.Tyr306fs)

Gene: HNF4A (hepatocyte nuclear factor 4 alpha; plus strand). Cytogenetic location: 20q13.12.
Variant type: Duplication.
Coding change: c.914dup on transcript NM_175914.5 (MANE Select); coding-DNA position 914, one base duplicated (A; older notation c.914dupA).
Protein change: p.Tyr306fs; shifts the reading frame from tyrosine 306.
Molecular consequence: frameshift variant.
Genome position (GRCh38, 1-based): chr20:44,424,105, A duplicated. VCF-style (leftmost placement, unchanged base first): chr20-44424104-C-CA. GRCh37 (hg19) VCF-style: chr20-43052744-C-CA.
Other names: NM_175914.5:c.914dup; c.980dup, p.Tyr328fs (NM_000457.6, NM_178849.3, NM_178850.3); c.914dup, p.Tyr306fs (NM_001030003.3, NM_001030004.3); c.959dup, p.Tyr321fs (NM_001258355.2); c.905dup, p.Tyr303fs (NM_001287182.2, NM_001287183.2, NM_001287184.2); short protein forms Y303fs, Y306fs, Y321fs, Y328fs.
Identifiers: ClinVar variation 3383936 (VCV003383936.2).